The following is an entry in ClinVar:

NM_001014342.3(FLG2):c.6424G>A (p.Gly2142Arg)

Genes: CCDST (cervical cancer associated DHX9 suppressive transcript; plus strand), FLG2 (filaggrin 2; minus strand). Cytogenetic location: 1q21.3.
Variant type: single nucleotide variant.
Coding change: c.6424G>A on transcript NM_001014342.3 (MANE Select); coding-DNA position 6424, G replaced by A.
Protein change: p.Gly2142Arg; replaces glycine 2142 with arginine.
Molecular consequence: missense variant.
Genome position (GRCh38, 1-based): chr1:152,351,362, C>T on the plus strand (G>A on the coding strand, the complement: FLG2 is on the minus strand). VCF-style: chr1-152351362-C-T. GRCh37 (hg19) VCF-style: chr1-152323838-C-T.
Other names: short protein forms G2142R.
Identifiers: ClinVar variation 3025221 (VCV003025221.22), dbSNP rs149503979, ClinGen allele CA1108277.

ClinVar aggregate classification (germline): Uncertain significance (1 of 4 stars; one submission).

Allele frequency attached by ClinVar (database versions not stated): ESP Exome Variant Server 0.00023; gnomAD 0.00023; TOPMed 0.00025; gnomAD exomes 0.00036; ExAC 0.00045.

Submission:

CeGaT Center for Human Genetics Tuebingen
Classification: Uncertain significance. Last evaluated: 2024-02-01. Review status: criteria provided, single submitter. Criteria: CeGaT Center For Human Genetics Tuebingen Variant Classification Criteria Version 2. Collection method: clinical testing. Allele origin: germline. Affected: yes. Observed: 1 variant allele.
Comment: FLG2: PM2, BP4